The following is an entry in ClinVar:

ClinVar aggregate classification (germline): Uncertain significance. Review status: criteria provided, multiple submitters, no conflicts (2 of 4 stars). 2 submissions from 2 submitters: Uncertain significance (2). Last evaluated 2026-02-11.

Conditions:
Corneal dystrophy. Identifiers: Orphanet 34533, MedGen C0010036, MONDO:0018102, HP:0001131.

Allele frequency attached by ClinVar (database versions not stated): TOPMed 0.00007.

Submissions (2):

Dasa
Classification: Uncertain significance. Last evaluated: 2026-02-11. Review status: criteria provided, single submitter. Criteria: DASA Assertion Criteria. Collection method: clinical testing. Allele origin: germline.
Comment: NM_000358.3(TGFBI):c.1501C>T (p.Pro501Ser) is a missense variant that results in the substitution of proline with serine. The affected residue or protein region has prior evidence supporting clinical relevance. This variant is rare in population databases. The currently available literature and clinical evidence are not sufficient to establish a definitive association between this variant and the reported condition. Therefore, this variant is classified as a variant of uncertain significance.

Illumina Laboratory Services, Illumina
Classification: Uncertain significance for Corneal dystrophy. Last evaluated: 2017-04-27. Review status: criteria provided, single submitter. Criteria: ICSL Variant Classification Criteria 13 December 2019. Collection method: clinical testing. Allele origin: germline.

NM_000358.3(TGFBI):c.1501C>T (p.Pro501Ser)

Gene: TGFBI (transforming growth factor beta induced; plus strand). Cytogenetic location: 5q31.1.
Variant type: single nucleotide variant.
Coding change: c.1501C>T on transcript NM_000358.3 (MANE Select); coding-DNA position 1501, C replaced by T.
Protein change: p.Pro501Ser; replaces proline 501 with serine.
Molecular consequence: missense variant.
Genome position (GRCh38, 1-based): chr5:136,055,770, C>T. VCF-style: chr5-136055770-C-T. GRCh37 (hg19) VCF-style: chr5-135391459-C-T.
Other names: short protein forms P501S.
Identifiers: ClinVar variation 907796 (VCV000907796.6), dbSNP rs121909212, ClinGen allele CA3420427.